The following is an entry in ClinVar:

ClinVar aggregate classification (germline): Uncertain significance (1 of 4 stars; one submission).

gnomAD v4.1: 4 of 1,614,136 alleles (0.00025%); highest among the groups gnomAD compares: Non-Finnish European, 0.00034%; no homozygotes.

Submission:

Labcorp Genetics (formerly Invitae), Labcorp
Classification: Uncertain significance. Last evaluated: 2022-06-19. Review status: criteria provided, single submitter. Criteria: Invitae Variant Classification Sherloc (09022015). Collection method: clinical testing. Allele origin: germline.
Comment: In summary, the available evidence is currently insufficient to determine the role of this variant in disease. Therefore, it has been classified as a Variant of Uncertain Significance. Algorithms developed to predict the effect of missense changes on protein structure and function are either unavailable or do not agree on the potential impact of this missense change (SIFT: "Deleterious"; PolyPhen-2: "Probably Damaging"; Align-GVGD: "Class C0"). This variant has not been reported in the literature in individuals affected with CACNA1D-related conditions. This variant is not present in population databases (gnomAD no frequency). This sequence change replaces arginine, which is basic and polar, with glutamine, which is neutral and polar, at codon 101 of the CACNA1D protein (p.Arg101Gln).

NM_001128840.3(CACNA1D):c.302G>A (p.Arg101Gln)

Gene: CACNA1D (calcium voltage-gated channel subunit alpha1 D; plus strand). Cytogenetic location: 3p21.1.
Variant type: single nucleotide variant.
Coding change: c.302G>A on transcript NM_001128840.3 (MANE Select); coding-DNA position 302, G replaced by A.
Protein change: p.Arg101Gln; replaces arginine 101 with glutamine.
Molecular consequence: missense variant.
Genome position (GRCh38, 1-based): chr3:53,497,386, G>A. VCF-style: chr3-53497386-G-A. GRCh37 (hg19) VCF-style: chr3-53531413-G-A.
Other names: c.302G>A, p.Arg101Gln (NM_000720.4, NM_001128839.3); short protein forms R101Q.
Identifiers: ClinVar variation 2008532 (VCV002008532.4), dbSNP rs1453153869, ClinGen allele CA353382180.